The following is an entry in ClinVar:

NM_005188.4(CBL):c.385A>G (p.Thr129Ala)

Gene: CBL (Cbl proto-oncogene; plus strand). Cytogenetic location: 11q23.3.
Variant type: single nucleotide variant.
Coding change: c.385A>G on transcript NM_005188.4 (MANE Select); coding-DNA position 385, A replaced by G.
Protein change: p.Thr129Ala; replaces threonine 129 with alanine.
Molecular consequence: missense variant.
Genome position (GRCh38, 1-based): chr11:119,232,637, A>G. VCF-style: chr11-119232637-A-G. GRCh37 (hg19) VCF-style: chr11-119103347-A-G.
Other names: c.385A>G (NM_005188.2); short protein forms T129A.
Identifiers: ClinVar variation 2137998 (VCV002137998.6), dbSNP rs770209522, ClinGen allele CA6318254.
Genomic context (GRCh38, chr11:119,232,637, plus strand): 5'-CTTGGAGAAAATGAGTATTTTAGGGTGTTTATGGAGAATTTGATGAAGAAAACTAAGCAA[A>G]CCATAAGCCTCTTCAAGGAGGGAAAAGAAAGAATGTATGAGGAGAATTCTCAGCCTAGGT-3'
Protein context (NP_005179.2, residues 119-139): MENLMKKTKQ[Thr129Ala]ISLFKEGKER

ClinVar aggregate classification (germline): Uncertain significance. Review status: criteria provided, multiple submitters, no conflicts (2 of 4 stars). 2 submissions from 2 submitters: Uncertain significance (2). Last evaluated 2023-05-22.

Conditions:
RASopathy. Also called: Noonan spectrum disorder; rasopathies. Identifiers: Orphanet 536391, MedGen C5555857, MONDO:0021060.
Cardiovascular phenotype. Identifiers: MedGen CN230736.

Allele frequency attached by ClinVar (database versions not stated): gnomAD exomes below 0.00001; ExAC 0.00001.
gnomAD v4.1: 1 of 1,613,916 alleles (0.000062%); highest among the groups gnomAD compares: Admixed American, 0.0017%; no homozygotes.

Submissions (2):

Labcorp Genetics (formerly Invitae), Labcorp
Classification: Uncertain significance for RASopathy. Last evaluated: 2023-05-22. Review status: criteria provided, single submitter. Criteria: Invitae Variant Classification Sherloc (09022015). Collection method: clinical testing. Allele origin: germline.
Comment: This sequence change replaces threonine, which is neutral and polar, with alanine, which is neutral and non-polar, at codon 129 of the CBL protein (p.Thr129Ala). This variant is present in population databases (rs770209522, gnomAD 0.003%). This variant has not been reported in the literature in individuals affected with CBL-related conditions. ClinVar contains an entry for this variant (Variation ID: 2137998). Advanced modeling of protein sequence and biophysical properties (such as structural, functional, and spatial information, amino acid conservation, physicochemical variation, residue mobility, and thermodynamic stability) performed at Invitae indicates that this missense variant is not expected to disrupt CBL protein function. In summary, the available evidence is currently insufficient to determine the role of this variant in disease. Therefore, it has been classified as a Variant of Uncertain Significance.

Ambry Genetics
Classification: Uncertain significance for Cardiovascular phenotype. Last evaluated: 2022-12-11. Review status: criteria provided, single submitter. Criteria: Ambry Variant Classification Scheme 2023. Collection method: clinical testing. Allele origin: germline.
Comment: The p.T129A variant (also known as c.385A>G), located in coding exon 2 of the CBL gene, results from an A to G substitution at nucleotide position 385. The threonine at codon 129 is replaced by alanine, an amino acid with similar properties. This amino acid position is conserved. In addition, the in silico prediction for this alteration is inconclusive. Since supporting evidence is limited at this time, the clinical significance of this alteration remains unclear.